The following is an entry in ClinVar:

NM_000612.6(IGF2):c.518C>A (p.Pro173Gln)

Genes: IGF2 (insulin like growth factor 2; minus strand), INS-IGF2 (INS-IGF2 readthrough; minus strand). Cytogenetic location: 11p15.5.
Variant type: single nucleotide variant.
Coding change: c.518C>A on transcript NM_000612.6 (MANE Select); coding-DNA position 518, C replaced by A.
Protein change: p.Pro173Gln; replaces proline 173 with glutamine.
Molecular consequence: missense variant. On other transcripts: non-coding transcript variant (1).
Genome position (GRCh38, 1-based): chr11:2,133,012, G>T on the plus strand (C>A on the coding strand, the complement: IGF2 is on the minus strand). VCF-style: chr11-2133012-G-T. GRCh37 (hg19) VCF-style: chr11-2154242-G-T.
Other names: c.518C>A, p.Pro173Gln (NM_001007139.6, NM_001291861.3, NM_001291862.3); c.686C>A, p.Pro229Gln (NM_001127598.3); short protein forms P173Q, P229Q.
Identifiers: ClinVar variation 3891375 (VCV003891375.2).

ClinVar aggregate classification (germline): Uncertain significance. Review status: criteria provided, multiple submitters, no conflicts (2 of 4 stars). 2 submissions from 2 submitters: Uncertain significance (2). Last evaluated 2025-07-20.

Conditions:
Beckwith-Wiedemann syndrome (BWS). Also called: EMG SYNDROME; Exomphalos macroglossia gigantism syndrome. Identifiers: Orphanet 116, MedGen C0004903, MONDO:0007534, OMIM 130650.
Wilms tumor 1 (WT1). Also called: Wilms tumor, somatic. Identifiers: Orphanet 654, MedGen CN033288, MONDO:0008679, OMIM 194070.
Silver-Russell syndrome 1 (SRS1). Also called: Chromosome 7-Related Russell-Silver Syndrome. Identifiers: Orphanet 813, MedGen C5393125, MONDO:0020796, OMIM 180860.
Silver-Russell syndrome 3 (SRS3). Also called: Growth restriction, severe, with distinctive facies. Identifiers: MedGen C4225307, MONDO:0014663, OMIM 616489.

Submissions (2):

Labcorp Genetics (formerly Invitae), Labcorp
Classification: Uncertain significance. Last evaluated: 2025-07-20. Review status: criteria provided, single submitter. Criteria: Invitae Variant Classification Sherloc (09022015). Collection method: clinical testing. Allele origin: germline.
Comment: This sequence change replaces proline, which is neutral and non-polar, with glutamine, which is neutral and polar, at codon 173 of the IGF2 protein (p.Pro173Gln). This variant is present in population databases (rs1050342, gnomAD 0.007%). This variant has not been reported in the literature in individuals affected with IGF2-related conditions. ClinVar contains an entry for this variant (Variation ID: 3891375). An algorithm developed to predict the effect of missense changes on protein structure and function (PolyPhen-2) suggests that this variant is likely to be tolerated. In summary, the available evidence is currently insufficient to determine the role of this variant in disease. Therefore, it has been classified as a Variant of Uncertain Significance.

Department of Pathology and Laboratory Medicine, Sinai Health System
Classification: Uncertain significance for Beckwith-Wiedemann syndrome; Silver-Russell syndrome 1; Wilms tumor 1; Silver-Russell syndrome 3. Last evaluated: 2021-07-30. Review status: criteria provided, single submitter. Criteria: ACMG Guidelines, 2015. Collection method: research. Allele origin: germline.